The following is an entry in ClinVar:

NM_001369.3(DNAH5):c.12765del (p.Thr4256fs)

Gene: DNAH5 (dynein axonemal heavy chain 5; minus strand). Cytogenetic location: 5p15.2.
Variant type: Deletion.
Coding change: c.12765del on transcript NM_001369.3 (MANE Select); coding-DNA position 12765, one base deleted (C; older notation c.12765delC).
Protein change: p.Thr4256fs; shifts the reading frame from threonine 4256.
Molecular consequence: frameshift variant.
Genome position (GRCh38, 1-based): chr5:13,716,631, G deleted on the plus strand (C on the coding strand, the reverse complement: DNAH5 is on the minus strand). VCF-style (leftmost placement, unchanged base first): chr5-13716630-TG-T. GRCh37 (hg19) VCF-style: chr5-13716739-TG-T.
Other names: short protein forms T4256fs.
Identifiers: ClinVar variation 2036698 (VCV002036698.4), dbSNP rs2546509212, ClinGen allele CA2580071987.
Genomic context (GRCh38, chr5:13,716,630, plus strand): 5'-TATTTTCACTGAACCAAACCTTAGCAAATGTGTTCAACAATCTCTTATCATAGTCGTCAG[TG>T]ACTCTGCCTCCATATTGAATCTCTCCTATCATGTAGCGGATGGTGGTCCAGGAGACACCC-3'

ClinVar aggregate classification (germline): Pathogenic (1 of 4 stars; one submission).

Conditions:
Primary ciliary dyskinesia. Also called: Ciliary dyskinesia. Identifiers: Orphanet 244, MedGen C0008780, MONDO:0016575, HP:0012265.

Submission:

Labcorp Genetics (formerly Invitae), Labcorp
Classification: Pathogenic for Primary ciliary dyskinesia. Last evaluated: 2022-10-24. Review status: criteria provided, single submitter. Criteria: Invitae Variant Classification Sherloc (09022015). Collection method: clinical testing. Allele origin: germline.
Comment: This sequence change creates a premature translational stop signal (p.Thr4256Leufs*9) in the DNAH5 gene. It is expected to result in an absent or disrupted protein product. Loss-of-function variants in DNAH5 are known to be pathogenic (PMID: 11788826, 16627867). This variant is not present in population databases (gnomAD no frequency). This variant has not been reported in the literature in individuals affected with DNAH5-related conditions. Algorithms developed to predict the effect of sequence changes on RNA splicing suggest that this variant may disrupt the consensus splice site. For these reasons, this variant has been classified as Pathogenic.

Literature cited by the submitters: PubMed 11788826; PubMed 16627867.